The following is an entry in ClinVar:

NM_006267.5(RANBP2):c.7710C>A (p.Ser2570Arg)

Gene: RANBP2 (RAN binding protein 2; plus strand). Cytogenetic location: 2q13.
Variant type: single nucleotide variant.
Coding change: c.7710C>A on transcript NM_006267.5 (MANE Select); coding-DNA position 7710, C replaced by A.
Protein change: p.Ser2570Arg; replaces serine 2570 with arginine.
Molecular consequence: missense variant.
Genome position (GRCh38, 1-based): chr2:108,768,249, C>A. VCF-style: chr2-108768249-C-A. GRCh37 (hg19) VCF-style: chr2-109384705-C-A.
Other names: short protein forms S2570R.
Identifiers: ClinVar variation 1056883 (VCV001056883.10), dbSNP rs748626354, ClinGen allele CA1823643.

ClinVar aggregate classification (germline): Uncertain significance (1 of 4 stars; one submission).

Conditions:
Familial acute necrotizing encephalopathy (IIAE3). Also called: ENCEPHALOPATHY, ACUTE, INFECTION-INDUCED, SUSCEPTIBILITY TO, 3; Susceptibility to Acute Necrotizing Encephalopathy 1. Identifiers: Orphanet 88619, MedGen C2675556, MONDO:0011953, OMIM 608033.

Allele frequency attached by ClinVar (database versions not stated): gnomAD exomes 0.00001 and 0.00002; ExAC 0.00002.
gnomAD v4.1: 7 of 1,611,922 alleles (0.00043%); highest among the groups gnomAD compares: South Asian, 0.0066%; no homozygotes.

Submission:

Labcorp Genetics (formerly Invitae), Labcorp
Classification: Uncertain significance for Familial acute necrotizing encephalopathy. Last evaluated: 2020-09-30. Review status: criteria provided, single submitter. Criteria: Invitae Variant Classification Sherloc (09022015). Collection method: clinical testing. Allele origin: germline.
Comment: In summary, the available evidence is currently insufficient to determine the role of this variant in disease. Therefore, it has been classified as a Variant of Uncertain Significance. Algorithms developed to predict the effect of missense changes on protein structure and function output the following: SIFT: "Tolerated"; PolyPhen-2: "Benign"; Align-GVGD: "Class C0". The arginine amino acid residue is found in multiple mammalian species, suggesting that this missense change does not adversely affect protein function. These predictions have not been confirmed by published functional studies and their clinical significance is uncertain. This variant has not been reported in the literature in individuals with RANBP2-related conditions. The frequency data for this variant in the population databases is considered unreliable, as metrics indicate poor data quality at this position in the ExAC database. This sequence change replaces serine with arginine at codon 2570 of the RANBP2 protein (p.Ser2570Arg). The serine residue is weakly conserved and there is a moderate physicochemical difference between serine and arginine.